The following is an entry in ClinVar:

ClinVar aggregate classification (germline): Uncertain significance. Review status: criteria provided, multiple submitters, no conflicts (2 of 4 stars). 3 submissions from 3 submitters: Uncertain significance (3). Last evaluated 2025-11-28.

Allele frequency attached by ClinVar (database versions not stated): ExAC 0.00002; gnomAD exomes 0.00001; gnomAD 0.00002; TOPMed 0.00002.
gnomAD v4.1: 17 of 1,612,038 alleles (0.0011%); highest among the groups gnomAD compares: African/African-American, 0.0027%; no homozygotes.

Submissions (3):

Mayo Clinic Laboratories, Mayo Clinic
Classification: Uncertain significance. Last evaluated: 2025-11-28. Review status: criteria provided, single submitter. Criteria: ACMG Guidelines, 2015. Collection method: clinical testing. Allele origin: germline. Observed: 1 variant allele.
Comment: PM2_supporting

Ambry Genetics
Classification: Uncertain significance. Last evaluated: 2025-01-27. Review status: criteria provided, single submitter. Criteria: Ambry Variant Classification Scheme 2023. Collection method: clinical testing. Allele origin: germline.

Labcorp Genetics (formerly Invitae), Labcorp
Classification: Uncertain significance. Last evaluated: 2021-09-01. Review status: criteria provided, single submitter. Criteria: Invitae Variant Classification Sherloc (09022015). Collection method: clinical testing. Allele origin: germline.
Comment: This sequence change replaces serine with leucine at codon 1259 of the SBF1 protein (p.Ser1259Leu). The serine residue is moderately conserved and there is a large physicochemical difference between serine and leucine. This variant is present in population databases (rs770642143, ExAC 0.006%). This variant has not been reported in the literature in individuals affected with SBF1-related conditions. Algorithms developed to predict the effect of missense changes on protein structure and function are either unavailable or do not agree on the potential impact of this missense change (SIFT: "Deleterious"; PolyPhen-2: "Possibly Damaging"; Align-GVGD: "Class C0"). In summary, the available evidence is currently insufficient to determine the role of this variant in disease. Therefore, it has been classified as a Variant of Uncertain Significance.

NM_002972.4(SBF1):c.3776C>T (p.Ser1259Leu)

Gene: SBF1 (SET binding factor 1; minus strand). Cytogenetic location: 22q13.33.
Variant type: single nucleotide variant.
Coding change: c.3776C>T on transcript NM_002972.4 (MANE Select); coding-DNA position 3776, C replaced by T.
Protein change: p.Ser1259Leu; replaces serine 1259 with leucine.
Molecular consequence: missense variant.
Genome position (GRCh38, 1-based): chr22:50,459,305, G>A on the plus strand (C>T on the coding strand, the complement: SBF1 is on the minus strand). VCF-style: chr22-50459305-G-A. GRCh37 (hg19) VCF-style: chr22-50897734-G-A.
Other names: p.Ser1259Leu; c.3776C>T (NM_002972.2); c.3779C>T, p.Ser1260Leu (NM_001365819.1); short protein forms S1260L, S1259L.
Identifiers: ClinVar variation 1464299 (VCV001464299.7), dbSNP rs770642143, ClinGen allele CA10316570.